The following is an entry in ClinVar:

ClinVar aggregate classification (germline): Conflicting classifications of pathogenicity. Review status: criteria provided, conflicting classifications (1 of 4 stars). 4 submissions from 4 submitters: Uncertain significance (3); Likely benign (1). Last evaluated 2024-08-06.

Conditions:
BRCA2-related cancer predisposition. Identifiers: MedGen CN377758, MONDO:0700269.
Hereditary cancer-predisposing syndrome. Also called: Hereditary Cancer Syndrome; Hereditary neoplastic syndrome; Tumor predisposition; Neoplastic Syndromes, Hereditary. Identifiers: Orphanet 140162, MedGen C0027672, MeSH D009386, MONDO:0015356.
Hereditary breast ovarian cancer syndrome. Also called: Hereditary breast and ovarian cancer syndrome (HBOC); Hereditary breast and ovarian cancer; BRCA1- and BRCA2-Associated Hereditary Breast and Ovarian Cancer; Breast and ovarian cancer; Hereditary breast and ovarian cancer syndrome; Hereditary breast and/or ovarian cancer syndrome. Identifiers: Orphanet 145, MedGen C0677776, MeSH D061325, MONDO:0003582. Disease mechanism: loss of function.

Submissions (4):

All of Us Research Program, National Institutes of Health
Classification: Uncertain significance for BRCA2-related cancer predisposition. Last evaluated: 2024-08-06. Review status: criteria provided, single submitter. Criteria: ACMG Guidelines, 2015. Collection method: clinical testing. Allele origin: germline. Inheritance: Autosomal dominant inheritance. Observed: 1 variant allele, 1 heterozygote.
Comment: This study involves interpretation of variants in research participants for the purpose of population health screening. Participant phenotype was not available at the time of variant classification. Additional details can be found in publication PMID: 35346344, PMCID: PMC8962531

Labcorp Genetics (formerly Invitae), Labcorp
Classification: Uncertain significance for Hereditary breast ovarian cancer syndrome. Last evaluated: 2023-08-09. Review status: criteria provided, single submitter. Criteria: Invitae Variant Classification Sherloc (09022015). Collection method: clinical testing. Allele origin: germline.
Comment: In summary, the available evidence is currently insufficient to determine the role of this variant in disease. Therefore, it has been classified as a Variant of Uncertain Significance. Advanced modeling of protein sequence and biophysical properties (such as structural, functional, and spatial information, amino acid conservation, physicochemical variation, residue mobility, and thermodynamic stability) performed at Invitae indicates that this missense variant is not expected to disrupt BRCA2 protein function. ClinVar contains an entry for this variant (Variation ID: 1792120). This variant has not been reported in the literature in individuals affected with BRCA2-related conditions. This variant is not present in population databases (gnomAD no frequency). This sequence change replaces glutamic acid, which is acidic and polar, with glutamine, which is neutral and polar, at codon 832 of the BRCA2 protein (p.Glu832Gln).

University of Washington Department of Laboratory Medicine, University of Washington
Classification: Likely benign for Hereditary cancer-predisposing syndrome. Last evaluated: 2023-03-23. Review status: criteria provided, single submitter. Criteria: Dines et al. (Genet Med. 2020). Collection method: curation. Allele origin: germline.
Comment: Missense variant in a coldspot region where missense variants are very unlikely to be pathogenic (PMID:31911673).

BRCA2 exon 11 coldspot. Reclassification based on statistical prior probability.

Ambry Genetics
Classification: Uncertain significance for Hereditary cancer-predisposing syndrome. Last evaluated: 2020-06-19. Review status: criteria provided, single submitter. Criteria: Ambry Variant Classification Scheme 2023. Collection method: clinical testing. Allele origin: germline.
Comment: The p.E832Q variant (also known as c.2494G>C), located in coding exon 10 of the BRCA2 gene, results from a G to C substitution at nucleotide position 2494. The glutamic acid at codon 832 is replaced by glutamine, an amino acid with highly similar properties. This amino acid position is not well conserved in available vertebrate species. In addition, this alteration is predicted to be tolerated by in silico analysis. Since supporting evidence is limited at this time, the clinical significance of this alteration remains unclear.

Literature cited by the submitters: PubMed 31537621 (cited by Ambry Genetics).

NM_000059.4(BRCA2):c.2494G>C (p.Glu832Gln)

Gene: BRCA2 (BRCA2 DNA repair associated; plus strand). Cytogenetic location: 13q13.1.
Variant type: single nucleotide variant.
Coding change: c.2494G>C on transcript NM_000059.4 (MANE Select); coding-DNA position 2494, G replaced by C.
Protein change: p.Glu832Gln; replaces glutamic acid 832 with glutamine.
Molecular consequence: missense variant.
Genome position (GRCh38, 1-based): chr13:32,336,849, G>C. VCF-style: chr13-32336849-G-C. GRCh37 (hg19) VCF-style: chr13-32910986-G-C.
Other names: c.2494G>C, p.Glu832Gln (NM_001406719.1, NM_001406720.1); short protein forms E832Q.
Identifiers: ClinVar variation 1792120 (VCV001792120.8), dbSNP rs786202875, ClinGen allele CA387772411.